The following is an entry in ClinVar:

ClinVar aggregate classification (germline): Uncertain significance (1 of 4 stars; one submission).

Submission:

GeneDx
Classification: Uncertain significance. Last evaluated: 2014-03-15. Review status: criteria provided, single submitter. Criteria: GeneDx Variant Classification (06012015). Collection method: clinical testing. Allele origin: germline. Affected: yes.
Comment: p.Ser234Pro (TCT>CCT): c.700 T>C in exon 5 of the ACTC1 gene (NM_005159.4). A variant of unknown significance has been identified in the ACTC1 gene. To our knowledge, the S234P variant has not been published as a mutation or as a benign polymorphism. The S234P variant was not observed in approximately 6,500 individuals of European and African American ancestry in the NHLBI Exome Sequencing Project, indicating it is not a common benign variant in these populations. The S234P variant is a non-conservative amino acid substitution, which is likely to impact secondary protein structure as these residues differ in polarity, charge, size and/or other properties. This substitution occurs at a position that is well conserved across species. In silico analysis is inconsistent in its predictions as to whether or not the variant is damaging to the protein structure/function. A missense mutation in a nearby residue (A232V) has been reported in association with hypertrophic cardiomyopathy supporting the functional importance of this region of the protein.Therefore, based on the currently available information, it is unclear whether this variant is a pathogenic mutation or a rare benign variant. The variant is found in HCM panel(s).

NM_005159.5(ACTC1):c.700T>C (p.Ser234Pro)

Genes: ACTC1 (actin alpha cardiac muscle 1; minus strand), GJD2-DT (GJD2 divergent transcript; plus strand). Cytogenetic location: 15q14.
Variant type: single nucleotide variant.
Coding change: c.700T>C on transcript NM_005159.5 (MANE Select); coding-DNA position 700, T replaced by C.
Protein change: p.Ser234Pro; replaces serine 234 with proline.
Molecular consequence: missense variant.
Genome position (GRCh38, 1-based): chr15:34,792,198, A>G on the plus strand (T>C on the coding strand, the complement: ACTC1 is on the minus strand). VCF-style: chr15-34792198-A-G. GRCh37 (hg19) VCF-style: chr15-35084399-A-G.
Other names: p.S234P:TCT>CCT; c.700T>C (LRG_388t1); short protein forms S234P.
Identifiers: ClinVar variation 180762 (VCV000180762.2), dbSNP rs730880397, ClinGen allele CA019879.